The following is an entry in ClinVar:

ClinVar aggregate classification (germline): Uncertain significance (1 of 4 stars; one submission).

Conditions:
Inborn genetic diseases. Identifiers: MedGen C0950123, MeSH D030342.

Submission:

Ambry Genetics
Classification: Uncertain significance for Inborn genetic diseases. Last evaluated: 2025-08-03. Review status: criteria provided, single submitter. Criteria: Ambry Variant Classification Scheme 2023. Collection method: clinical testing. Allele origin: germline.
Comment: The p.A199E variant (also known as c.596C>A), located in coding exon 1 of the WT1 gene, results from a C to A substitution at nucleotide position 596. The alanine at codon 199 is replaced by glutamic acid, an amino acid with dissimilar properties. This amino acid position is conserved. In addition, this alteration is predicted to be tolerated by in silico analysis. Based on the available evidence, the clinical significance of this variant remains unclear.

NM_024426.6(WT1):c.611C>A (p.Ala204Glu)

Genes: WT1 (WT1 transcription factor; minus strand), LOC107982234 (WT1/WT1-AS bi-directional promoter region; plus strand). Cytogenetic location: 11p13.
Variant type: single nucleotide variant.
Coding change: c.611C>A on transcript NM_024426.6 (MANE Select); coding-DNA position 611, C replaced by A.
Protein change: p.Ala204Glu; replaces alanine 204 with glutamic acid.
Molecular consequence: missense variant. On other transcripts: non-coding transcript variant (2).
Genome position (GRCh38, 1-based): chr11:32,434,750, G>T on the plus strand (C>A on the coding strand, the complement: WT1 is on the minus strand). VCF-style: chr11-32434750-G-T. GRCh37 (hg19) VCF-style: chr11-32456296-G-T.
Other names: c.392C>A, p.Ala131Glu (NM_001429032.1, NM_001429033.1, NM_001429034.1 and 1 more transcripts); c.611C>A, p.Ala204Glu (NM_024424.5, NM_000378.6, NM_001407044.1 and 6 more transcripts); short protein forms A131E, A199E, A204E.
Identifiers: ClinVar variation 4202231 (VCV004202231.1).
Genomic context (GRCh38, chr11:32,434,750, plus strand): 5'-GCCTACTTACCCTGATTGCGAATAGCGGGCTGGCTCTCGAGGCAGCTGGGCAGGTAGGGC[G>T]CGTTAGGAAACATCCTGGCCTGGCCGGATGACGCCTGGCTGGGCGGAGGAGGACCGAAGG-3'
Protein context (NP_077744.4, residues 194-214): SSGQARMFPN[Ala204Glu]PYLPSCLESQ